The following is an entry in ClinVar:

ClinVar aggregate classification (germline): Uncertain significance. Review status: criteria provided, multiple submitters, no conflicts (2 of 4 stars). 2 submissions from 2 submitters: Uncertain significance (2). Last evaluated 2023-10-11.

Conditions:
DICER1-related tumor predisposition. Also called: DICER1-related pleuropulmonary blastoma cancer predisposition syndrome; DICER1 syndrome. Identifiers: Orphanet 284343, MedGen C3839822, MONDO:0100216.
Hereditary cancer-predisposing syndrome. Also called: Hereditary Cancer Syndrome; Neoplastic Syndromes, Hereditary; Hereditary neoplastic syndrome; Tumor predisposition. Identifiers: Orphanet 140162, MedGen C0027672, MeSH D009386, MONDO:0015356.

Allele frequency attached by ClinVar (database versions not stated): TOPMed below 0.00001; gnomAD 0.00001; gnomAD exomes 0.00003.
gnomAD v4.1: 24 of 1,613,874 alleles (0.0015%); highest among the groups gnomAD compares: Non-Finnish European, 0.002%; no homozygotes.

Submissions (2):

Ambry Genetics
Classification: Uncertain significance for Hereditary cancer-predisposing syndrome. Last evaluated: 2023-10-11. Review status: criteria provided, single submitter. Criteria: Ambry Variant Classification Scheme 2023. Collection method: clinical testing. Allele origin: germline.
Comment: The p.N433H variant (also known as c.1297A>C), located in coding exon 7 of the DICER1 gene, results from an A to C substitution at nucleotide position 1297. The asparagine at codon 433 is replaced by histidine, an amino acid with similar properties. This amino acid position is well conserved in available vertebrate species. In addition, this alteration is predicted to be tolerated by in silico analysis. Since supporting evidence is limited at this time, the clinical significance of this alteration remains unclear.

Labcorp Genetics (formerly Invitae), Labcorp
Classification: Uncertain significance for DICER1-related tumor predisposition. Last evaluated: 2019-07-10. Review status: criteria provided, single submitter. Criteria: Invitae Variant Classification Sherloc (09022015). Collection method: clinical testing. Allele origin: germline.
Comment: In summary, the available evidence is currently insufficient to determine the role of this variant in disease. Therefore, it has been classified as a Variant of Uncertain Significance. Algorithms developed to predict the effect of missense changes on protein structure and function are either unavailable or do not agree on the potential impact of this missense change (SIFT: "Tolerated"; PolyPhen-2: "Possibly Damaging"; Align-GVGD: "Class C0"). This variant has not been reported in the literature in individuals with DICER1-related conditions. This variant is not present in population databases (ExAC no frequency). This sequence change replaces asparagine with histidine at codon 433 of the DICER1 protein (p.Asn433His). The asparagine residue is moderately conserved and there is a small physicochemical difference between asparagine and histidine.

NM_177438.3(DICER1):c.1297A>C (p.Asn433His)

Gene: DICER1 (dicer 1, ribonuclease III; minus strand). Cytogenetic location: 14q32.13.
Variant type: single nucleotide variant.
Coding change: c.1297A>C on transcript NM_177438.3 (MANE Select); coding-DNA position 1297, A replaced by C.
Protein change: p.Asn433His; replaces asparagine 433 with histidine.
Molecular consequence: missense variant.
Genome position (GRCh38, 1-based): chr14:95,124,275, T>G on the plus strand (A>C on the coding strand, the complement: DICER1 is on the minus strand). VCF-style: chr14-95124275-T-G. GRCh37 (hg19) VCF-style: chr14-95590612-T-G.
Other names: c.1297A>C, p.Asn433His (NM_001195573.1, NM_001271282.3, NM_001291628.2 and 1 more transcripts); short protein forms N433H.
Identifiers: ClinVar variation 818831 (VCV000818831.14), dbSNP rs1595438258, ClinGen allele CA390886290.